The following is an entry in ClinVar:

ClinVar aggregate classification (germline): Uncertain significance (1 of 4 stars; one submission).

Allele frequency attached by ClinVar (database versions not stated): gnomAD 0.00001; TOPMed 0.00001.
gnomAD v4.1: 1 of 1,608,132 alleles (0.000062%); highest among the groups gnomAD compares: African/African-American, 0.0013%; no homozygotes.

Submission:

Labcorp Genetics (formerly Invitae), Labcorp
Classification: Uncertain significance. Last evaluated: 2024-12-02. Review status: criteria provided, single submitter. Criteria: Invitae Variant Classification Sherloc (09022015). Collection method: clinical testing. Allele origin: germline.
Comment: This sequence change replaces leucine, which is neutral and non-polar, with isoleucine, which is neutral and non-polar, at codon 335 of the ORC4 protein (p.Leu335Ile). The frequency data for this variant in the population databases is considered unreliable, as metrics indicate poor data quality at this position in the gnomAD database. This variant has not been reported in the literature in individuals affected with ORC4-related conditions. ClinVar contains an entry for this variant (Variation ID: 1958779). Invitae Evidence Modeling of protein sequence and biophysical properties (such as structural, functional, and spatial information, amino acid conservation, physicochemical variation, residue mobility, and thermodynamic stability) indicates that this missense variant is not expected to disrupt ORC4 protein function with a negative predictive value of 80%. In summary, the available evidence is currently insufficient to determine the role of this variant in disease. Therefore, it has been classified as a Variant of Uncertain Significance.

NM_181741.4(ORC4):c.1003T>A (p.Leu335Ile)

Gene: ORC4 (origin recognition complex subunit 4; minus strand). Cytogenetic location: 2q23.1.
Variant type: single nucleotide variant.
Coding change: c.1003T>A on transcript NM_181741.4 (MANE Select); coding-DNA position 1003, T replaced by A.
Protein change: p.Leu335Ile; replaces leucine 335 with isoleucine.
Molecular consequence: missense variant.
Genome position (GRCh38, 1-based): chr2:147,938,349, A>T on the plus strand (T>A on the coding strand, the complement: ORC4 is on the minus strand). VCF-style: chr2-147938349-A-T. GRCh37 (hg19) VCF-style: chr2-148695918-A-T.
Other names: c.751T>A, p.Leu251Ile (NM_001374272.1, NM_001190881.3); c.1003T>A, p.Leu335Ile (NM_002552.5, NM_181742.5, NM_001190879.3 and 1 more transcripts); c.781T>A, p.Leu261Ile (NM_001190882.3); short protein forms L251I, L335I, L261I.
Identifiers: ClinVar variation 1958779 (VCV001958779.5), dbSNP rs1350022890, ClinGen allele CA348711032.